The following is an entry in ClinVar:

NM_001409.4(MEGF6):c.4587C>T (p.Ser1529=)

Gene: MEGF6 (multiple EGF like domains 6; minus strand). Cytogenetic location: 1p36.32.
Variant type: single nucleotide variant.
Coding change: c.4587C>T on transcript NM_001409.4 (MANE Select); coding-DNA position 4587, C replaced by T.
Protein change: p.Ser1529=; no amino-acid change (serine 1529 retained).
Molecular consequence: synonymous variant.
Genome position (GRCh38, 1-based): chr1:3,490,567, G>A on the plus strand (C>T on the coding strand, the complement: MEGF6 is on the minus strand). VCF-style: chr1-3490567-G-A. GRCh37 (hg19) VCF-style: chr1-3407131-G-A.
Other names: c.4272C>T, p.Ser1424= (NM_001410718.1).
Identifiers: ClinVar variation 3388429 (VCV003388429.14).
Genomic context (GRCh38, chr1:3,490,567, plus strand): 5'-GGCTCCACGGGACTGCCTCTACTAGTGCCTCGCTGGTCCACCGCTCCGGGATGTGGGTCT[G>A]CTGGAGGCGGGCAGTGTGCCCGCTGGGGAAAAGGAGAAAAGAGGGCCAGTCCAGGGTGGG-3'
Protein context (NP_001400.3, residues 1519-1539): QGSAGTLPAS[Ser1529=]RPTSRSGGPA

ClinVar aggregate classification (germline): Likely benign (1 of 4 stars; one submission).

gnomAD v4.1: 326 of 1,613,306 alleles (0.02%); highest among the groups gnomAD compares: Non-Finnish European, 0.027%; no homozygotes.

Submission:

CeGaT Center for Human Genetics Tuebingen
Classification: Likely benign. Last evaluated: 2024-10-01. Review status: criteria provided, single submitter. Criteria: CeGaT Center For Human Genetics Tuebingen Variant Classification Criteria Version 2. Collection method: clinical testing. Allele origin: germline. Affected: yes. Observed: 1 variant allele.
Comment: MEGF6: BP4, BP7